The following is an entry in ClinVar:

NM_000170.3(GLDC):c.1978A>G (p.Met660Val)

Gene: GLDC (glycine decarboxylase; minus strand). Cytogenetic location: 9p24.1.
Variant type: single nucleotide variant.
Coding change: c.1978A>G on transcript NM_000170.3 (MANE Select); coding-DNA position 1978, A replaced by G.
Protein change: p.Met660Val; replaces methionine 660 with valine.
Molecular consequence: missense variant.
Genome position (GRCh38, 1-based): chr9:6,558,633, T>C on the plus strand (A>G on the coding strand, the complement: GLDC is on the minus strand). VCF-style: chr9-6558633-T-C. GRCh37 (hg19) VCF-style: chr9-6558633-T-C.
Other names: short protein forms M660V.
Identifiers: ClinVar variation 2031649 (VCV002031649.3), dbSNP rs2489039859, ClinGen allele CA372881960.

ClinVar aggregate classification (germline): Uncertain significance. Review status: criteria provided, multiple submitters, no conflicts (2 of 4 stars). 3 submissions from 3 submitters: Uncertain significance (3). Last evaluated 2026-03-26.

Conditions:
Glycine encephalopathy. Also called: Nonketotic hyperglycinemia; Non-ketotic hyperglycinemia. Identifiers: Orphanet 407, MedGen C0751748, MONDO:0011612, HP:0008288.
Inborn genetic diseases. Identifiers: MedGen C0950123, MeSH D030342.

Allele frequency attached by ClinVar (database versions not stated): gnomAD exomes below 0.00001.
gnomAD v4.1: 3 of 1,613,968 alleles (0.00019%); highest among the groups gnomAD compares: Non-Finnish European, 0.00017%; no homozygotes.

Submissions (3):

GeneDx
Classification: Uncertain significance. Last evaluated: 2026-03-26. Review status: criteria provided, single submitter. Criteria: GeneDx Variant Classification Process June 2021. Collection method: clinical testing. Allele origin: germline.
Comment: Not observed at significant frequency in large population cohorts (gnomAD); In silico analysis supports that this missense variant has a deleterious effect on protein structure/function; Has not been previously published as pathogenic or benign to our knowledge

Ambry Genetics
Classification: Uncertain significance for Inborn genetic diseases. Last evaluated: 2025-08-31. Review status: criteria provided, single submitter. Criteria: Ambry Variant Classification Scheme 2023. Collection method: clinical testing. Allele origin: germline.

Labcorp Genetics (formerly Invitae), Labcorp
Classification: Uncertain significance for Glycine encephalopathy. Last evaluated: 2022-03-24. Review status: criteria provided, single submitter. Criteria: Invitae Variant Classification Sherloc (09022015). Collection method: clinical testing. Allele origin: germline.
Comment: This sequence change replaces methionine, which is neutral and non-polar, with valine, which is neutral and non-polar, at codon 660 of the GLDC protein (p.Met660Val). This variant is not present in population databases (gnomAD no frequency). This variant has not been reported in the literature in individuals affected with GLDC-related conditions. Advanced modeling of protein sequence and biophysical properties (such as structural, functional, and spatial information, amino acid conservation, physicochemical variation, residue mobility, and thermodynamic stability) performed at Invitae indicates that this missense variant is expected to disrupt GLDC protein function. In summary, the available evidence is currently insufficient to determine the role of this variant in disease. Therefore, it has been classified as a Variant of Uncertain Significance.